The following is an entry in ClinVar:

NM_004408.4(DNM1):c.263G>A (p.Gly88Glu)

Genes: DNM1 (dynamin 1; plus strand), LOC113839516 (Sharpr-MPRA regulatory region 8497; plus strand). Cytogenetic location: 9q34.11.
Variant type: single nucleotide variant.
Coding change: c.263G>A on transcript NM_004408.4 (MANE Select); coding-DNA position 263, G replaced by A.
Protein change: p.Gly88Glu; replaces glycine 88 with glutamic acid.
Molecular consequence: missense variant.
Genome position (GRCh38, 1-based): chr9:128,218,609, G>A. VCF-style: chr9-128218609-G-A. GRCh37 (hg19) VCF-style: chr9-130980888-G-A.
Other names: c.263G>A, p.Gly88Glu (NM_001005336.3, NM_001288737.2, NM_001288738.2 and 2 more transcripts); short protein forms G88E.
Identifiers: ClinVar variation 3766381 (VCV003766381.1).

ClinVar aggregate classification (germline): Uncertain significance (1 of 4 stars; one submission).

Submission:

GeneDx
Classification: Uncertain significance. Last evaluated: 2024-08-27. Review status: criteria provided, single submitter. Criteria: GeneDx Variant Classification Process June 2021. Collection method: clinical testing. Allele origin: germline. Affected: yes.
Comment: Not observed at significant frequency in large population cohorts (gnomAD); In silico analysis supports that this missense variant has a deleterious effect on protein structure/function; Has not been previously published as pathogenic or benign to our knowledge